The following is an entry in ClinVar:

NM_001101.5(ACTB):c.616dup (p.Arg206fs)

Gene: ACTB (actin beta; minus strand). Cytogenetic location: 7p22.1.
Variant type: Duplication.
Coding change: c.616dup on transcript NM_001101.5 (MANE Select); coding-DNA position 616, one base duplicated (C; older notation c.616dupC).
Protein change: p.Arg206fs; shifts the reading frame from arginine 206.
Molecular consequence: frameshift variant.
Genome position (GRCh38, 1-based): chr7:5,528,467, G duplicated on the plus strand (C on the coding strand, the reverse complement: ACTB is on the minus strand). VCF-style (leftmost placement, unchanged base first): chr7-5528466-C-CG. GRCh37 (hg19) VCF-style: chr7-5568097-C-CG.
Other names: short protein forms R206fs.
Identifiers: ClinVar variation 944265 (VCV000944265.7), dbSNP rs1784812557, ClinGen allele CA1139659980.
Genomic context (GRCh38, chr7:5,528,466, plus strand): 5'-TCTTGCTCGAAGTCCAGGGCGACGTAGCACAGCTTCTCCTTAATGTCACGCACGATTTCC[C>CG]GCTCGGCCGTGGTGGTGAAGCTGTAGCCGCGCTCGGTGAGGATCTTCATGAGGTAGTCAG-3'

ClinVar aggregate classification (germline): Uncertain significance (1 of 4 stars; one submission).

Conditions:
Baraitser-Winter syndrome 1 (BRWS1). Also called: PACHYGYRIA, MENTAL RETARDATION, EPILEPSY, AND CHARACTERISTIC FACIES; Cerebrofrontofacial syndrome; MENTAL RETARDATION WITH EPILEPSY AND CHARACTERISTIC FACIES; BARAITSER-WINTER SYNDROME 1, ATYPICAL. Identifiers: Orphanet 2649, Orphanet 2995, MedGen C1855722, MONDO:0009470, OMIM 243310.

Submission:

Labcorp Genetics (formerly Invitae), Labcorp
Classification: Uncertain significance for Baraitser-Winter syndrome 1. Last evaluated: 2023-01-01. Review status: criteria provided, single submitter. Criteria: Invitae Variant Classification Sherloc (09022015). Collection method: clinical testing. Allele origin: germline.
Comment: This variant is not present in population databases (gnomAD no frequency). In summary, the available evidence is currently insufficient to determine the role of this variant in disease. Therefore, it has been classified as a Variant of Uncertain Significance. ClinVar contains an entry for this variant (Variation ID: 944265). This variant has not been reported in the literature in individuals affected with ACTB-related conditions. This sequence change creates a premature translational stop signal (p.Arg206Profs*6) in the ACTB gene. It is expected to result in an absent or disrupted protein product. However, the current clinical and genetic evidence is not sufficient to establish whether loss-of-function variants in ACTB cause disease.